The following is an entry in ClinVar:

NM_002137.4(HNRNPA2B1):c.645T>C (p.Phe215=)

Gene: HNRNPA2B1 (heterogeneous nuclear ribonucleoprotein A2/B1; minus strand). Cytogenetic location: 7p15.2.
Variant type: single nucleotide variant.
Coding change: c.645T>C on transcript NM_002137.4 (MANE Select); coding-DNA position 645, T replaced by C.
Protein change: p.Phe215=; no amino-acid change (phenylalanine 215 retained).
Molecular consequence: synonymous variant.
Genome position (GRCh38, 1-based): chr7:26,196,414, A>G on the plus strand (T>C on the coding strand, the complement: HNRNPA2B1 is on the minus strand). VCF-style: chr7-26196414-A-G. GRCh37 (hg19) VCF-style: chr7-26236034-A-G.
Other names: p.Phe227=; c.681T>C, p.Phe227= (NM_031243.4).
Identifiers: ClinVar variation 261955 (VCV000261955.43), dbSNP rs117082250, ClinGen allele CA4194564.

ClinVar aggregate classification (germline): Benign/Likely benign. Review status: criteria provided, multiple submitters, no conflicts (2 of 4 stars). 8 submissions from 8 submitters: Benign (4); Likely benign (2). 2 of the submissions do not count toward it. Last evaluated 2026-09-01.

Conditions:
Inclusion body myopathy with early-onset Paget disease with or without frontotemporal dementia 2 (IBMPFD2). Also called: MULTISYSTEM PROTEINOPATHY 2. Identifiers: MedGen C3809468, MONDO:0014178, OMIM 615422.

Allele frequency attached by ClinVar (database versions not stated): 1000 Genomes Project 30x 0.00234; 1000 Genomes Project 0.00260; TOPMed 0.00465; ExAC 0.00477; gnomAD 0.00477 and 0.00481; ESP Exome Variant Server 0.00538; gnomAD exomes 0.00685.
gnomAD v4.1: 10,695 of 1,613,720 alleles (0.66%); highest among the groups gnomAD compares: Non-Finnish European, 0.8%; 58 homozygotes.

Submissions (8):

CeGaT Center for Human Genetics Tuebingen
Classification: Likely benign. Last evaluated: 2026-09-01. Review status: criteria provided, single submitter. Criteria: CeGaT Center For Human Genetics Tuebingen Variant Classification Criteria Version 2. Collection method: clinical testing. Allele origin: germline. Affected: yes. Observed: 8 variant alleles.
Comment: HNRNPA2B1: BP4, BP7, BS2

Labcorp Genetics (formerly Invitae), Labcorp
Classification: Benign for Inclusion body myopathy with early-onset Paget disease with or without frontotemporal dementia 2. Last evaluated: 2026-02-03. Review status: criteria provided, single submitter. Criteria: Invitae Variant Classification Sherloc (09022015). Collection method: clinical testing. Allele origin: germline.

Blueprint Genetics
Classification: Likely benign. Last evaluated: 2024-11-21. Review status: criteria provided, single submitter. Criteria: ACMG Guidelines, 2015. Collection method: clinical testing. Allele origin: germline.

Mayo Clinic Laboratories, Mayo Clinic
Classification: Benign. Last evaluated: 2019-08-26. Review status: criteria provided, single submitter. Criteria: ACMG Guidelines, 2015. Collection method: clinical testing. Allele origin: germline. Observed: 15 variant alleles.

GeneDx
Classification: Benign. Last evaluated: 2019-04-24. Review status: criteria provided, single submitter. Criteria: GeneDx Variant Classification Process June 2021. Collection method: clinical testing. Allele origin: germline. Affected: yes.

PreventionGenetics, part of Exact Sciences
Classification: Benign. Review status: criteria provided, single submitter. Criteria: ACMG Guidelines, 2015. Collection method: clinical testing. Allele origin: germline.

Clinical Genetics DNA and cytogenetics Diagnostics Lab, Erasmus MC, Erasmus Medical Center
Classification: Likely benign. Review status: no assertion criteria provided. Collection method: clinical testing. Allele origin: germline. Affected: yes. Study: VKGL Data-share Consensus. Not counted in ClinVar's aggregate classification.

Genome Diagnostics Laboratory, Amsterdam University Medical Center
Classification: Benign. Review status: no assertion criteria provided. Collection method: clinical testing. Allele origin: germline. Affected: yes. Study: VKGL Data-share Consensus. Not counted in ClinVar's aggregate classification.